The following is an entry in ClinVar:

NM_004370.6(COL12A1):c.4979A>T (p.Asn1660Ile)

Gene: COL12A1 (collagen type XII alpha 1 chain; minus strand). Cytogenetic location: 6q13.
Variant type: single nucleotide variant.
Coding change: c.4979A>T on transcript NM_004370.6 (MANE Select); coding-DNA position 4979, A replaced by T.
Protein change: p.Asn1660Ile; replaces asparagine 1660 with isoleucine.
Molecular consequence: missense variant.
Genome position (GRCh38, 1-based): chr6:75,138,940, T>A on the plus strand (A>T on the coding strand, the complement: COL12A1 is on the minus strand). VCF-style: chr6-75138940-T-A. GRCh37 (hg19) VCF-style: chr6-75848656-T-A.
Other names: c.1487A>T, p.Asn496Ile (NM_080645.3); c.4979A>T (NM_004370.5); short protein forms N1660I, N496I.
Identifiers: ClinVar variation 2177457 (VCV002177457.5), dbSNP rs1766759660, ClinGen allele CA364740010.
Genomic context (GRCh38, chr6:75,138,940, plus strand): 5'-GAAGCTCCATGATCCCAAGTCCCTCTGAAACCCTCTGATGTTACTTCAGTAATCTTTAAG[T>A]TTGTTGGGGCTGGCACGGGTCCTATCATGAGAAAAGGCAAGCAGACTAAGTTTTTGAATG-3'
Protein context (NP_004361.3, residues 1650-1670): ETTRPVPAPT[Asn1660Ile]LKITEVTSEG

ClinVar aggregate classification (germline): Uncertain significance. Review status: criteria provided, multiple submitters, no conflicts (2 of 4 stars). 2 submissions from 2 submitters: Uncertain significance (2). Last evaluated 2025-08-30.

Conditions:
Ullrich congenital muscular dystrophy 2 (UCMD2). Identifiers: Orphanet 75840, MedGen C4225314, MONDO:0014654, OMIM 616470.
Bethlem myopathy 2 (BTHLM2). Identifiers: Orphanet 536516, Orphanet 610, MedGen C4225313, MONDO:0034022, OMIM 616471.

Allele frequency attached by ClinVar (database versions not stated): TOPMed 0.00001; gnomAD exomes below 0.00001.
gnomAD v4.1: 2 of 1,614,038 alleles (0.00012%); highest among the groups gnomAD compares: Non-Finnish European, 0.000085%; no homozygotes.

Submissions (2):

Labcorp Genetics (formerly Invitae), Labcorp
Classification: Uncertain significance for Bethlem myopathy 2; Ullrich congenital muscular dystrophy 2. Last evaluated: 2025-08-30. Review status: criteria provided, single submitter. Criteria: Invitae Variant Classification Sherloc (09022015). Collection method: clinical testing. Allele origin: germline.
Comment: This sequence change replaces asparagine, which is neutral and polar, with isoleucine, which is neutral and non-polar, at codon 1660 of the COL12A1 protein (p.Asn1660Ile). This variant is not present in population databases (gnomAD no frequency). This variant has not been reported in the literature in individuals affected with COL12A1-related conditions. ClinVar contains an entry for this variant (Variation ID: 2177457). Invitae Evidence Modeling of protein sequence and biophysical properties (such as structural, functional, and spatial information, amino acid conservation, physicochemical variation, residue mobility, and thermodynamic stability) indicates that this missense variant is not expected to disrupt COL12A1 protein function with a negative predictive value of 80%. In summary, the available evidence is currently insufficient to determine the role of this variant in disease. Therefore, it has been classified as a Variant of Uncertain Significance.

GeneDx
Classification: Uncertain significance. Last evaluated: 2023-06-02. Review status: criteria provided, single submitter. Criteria: GeneDx Variant Classification Process June 2021. Collection method: clinical testing. Allele origin: germline. Affected: yes.
Comment: Not observed at significant frequency in large population cohorts (gnomAD); In silico analysis supports that this missense variant has a deleterious effect on protein structure/function; Has not been previously published as pathogenic or benign to our knowledge